The following is an entry in ClinVar:

ClinVar aggregate classification (germline): Uncertain significance. Review status: criteria provided, multiple submitters, no conflicts (2 of 4 stars). 3 submissions from 3 submitters: Uncertain significance (2). 1 of the submissions does not count toward it. Last evaluated 2023-07-05.

Conditions:
Duchenne muscular dystrophy (DMD). Also called: Duchenne Muscular Dystrophy (DMD); MUSCULAR DYSTROPHY, PSEUDOHYPERTROPHIC PROGRESSIVE, DUCHENNE TYPE. Identifiers: Orphanet 98896, MedGen C0013264, MONDO:0010679, OMIM 310200.
Dystrophin deficiency.
Becker muscular dystrophy (BMD). Also called: MUSCULAR DYSTROPHY, PSEUDOHYPERTROPHIC PROGRESSIVE, BECKER TYPE; Becker Muscular Dystrophy (BMD). Identifiers: Orphanet 98895, MedGen C0917713, MONDO:0010311, OMIM 300376.
Cardiomyopathy (CMYO). Also called: Cardiomyopathies. Identifiers: Orphanet 167848, MedGen C0878544, MONDO:0004994, HP:0001638. Inheritance: Various modes of inheritance.
Cardiovascular phenotype. Identifiers: MedGen CN230736.

Allele frequency attached by ClinVar (database versions not stated): ExAC 0.00001; gnomAD exomes 0.00001; TOPMed 0.00005; ESP Exome Variant Server 0.00009.

Submissions (3):

Ambry Genetics
Classification: Uncertain significance for Cardiovascular phenotype. Last evaluated: 2023-07-05. Review status: criteria provided, single submitter. Criteria: Ambry Variant Classification Scheme 2023. Collection method: clinical testing. Allele origin: germline.
Comment: The p.T1692A variant (also known as c.5074A>G), located in coding exon 36 of the DMD gene, results from an A to G substitution at nucleotide position 5074. The threonine at codon 1692 is replaced by alanine, an amino acid with similar properties. Based on data from gnomAD, the G allele has an overall frequency of 0.0005%% (1/182928) total alleles studied, with no hemizygotes observed. The highest observed frequency was 0.0012% (1/81505) of European (non-Finnish) alleles. This amino acid position is well conserved in available vertebrate species. In addition, this alteration is predicted to be tolerated by in silico analysis. Since supporting evidence is limited at this time, the clinical significance of this alteration remains unclear.

Labcorp Genetics (formerly Invitae), Labcorp
Classification: Uncertain significance for Duchenne muscular dystrophy. Last evaluated: 2019-01-29. Review status: criteria provided, single submitter. Criteria: Invitae Variant Classification Sherloc (09022015). Collection method: clinical testing. Allele origin: germline.
Comment: This variant has not been reported in the literature in individuals with DMD-related conditions. In summary, the available evidence is currently insufficient to determine the role of this variant in disease. Therefore, it has been classified as a Variant of Uncertain Significance. Algorithms developed to predict the effect of missense changes on protein structure and function are either unavailable or do not agree on the potential impact of this missense change (SIFT: "Deleterious"; PolyPhen-2: "Benign"; Align-GVGD: "Class C0"). This variant is present in population databases (rs367674503, ExAC 0.002%). This sequence change replaces threonine with alanine at codon 1692 of the DMD protein (p.Thr1692Ala). The threonine residue is highly conserved and there is a small physicochemical difference between threonine and alanine.

Natera, Inc.
Classification: Uncertain significance for Becker muscular dystrophy; Cardiomyopathy; Duchenne muscular dystrophy; Dystrophin deficiency. Last evaluated: 2021-06-24. Review status: no assertion criteria provided. Collection method: clinical testing. Allele origin: germline. Not counted in ClinVar's aggregate classification.

NM_004006.3(DMD):c.5074A>G (p.Thr1692Ala)

Gene: DMD (dystrophin; minus strand). Cytogenetic location: Xp21.1.
Variant type: single nucleotide variant.
Coding change: c.5074A>G on transcript NM_004006.3 (MANE Select); coding-DNA position 5074, A replaced by G.
Protein change: p.Thr1692Ala; replaces threonine 1692 with alanine.
Molecular consequence: missense variant.
Genome position (GRCh38, 1-based): chrX:32,364,662, T>C on the plus strand (A>G on the coding strand, the complement: DMD is on the minus strand). VCF-style: chrX-32364662-T-C. GRCh37 (hg19) VCF-style: chrX-32382779-T-C.
Other names: c.5050A>G, p.Thr1684Ala (NM_000109.4); c.5062A>G, p.Thr1688Ala (NM_004009.3); c.4705A>G, p.Thr1569Ala (NM_004010.3); c.1051A>G, p.Thr351Ala (NM_004011.4); c.1042A>G, p.Thr348Ala (NM_004012.4); short protein forms T1684A, T1569A, T1692A, T348A, T351A, T1688A.
Identifiers: ClinVar variation 847457 (VCV000847457.13), dbSNP rs367674503, ClinGen allele CA10378779.